The following is an entry in ClinVar:

ClinVar aggregate classification (germline): Pathogenic (1 of 4 stars; one submission).

Conditions:
Okur-Chung neurodevelopmental syndrome (OCNDS). Identifiers: Orphanet 689422, MedGen C4310739, MONDO:0014893, OMIM 617062.

Submission:

Medical Genetics Laboratory, Etlik City Hospital
Classification: Pathogenic for Okur-Chung neurodevelopmental syndrome. Review status: criteria provided, single submitter. Criteria: ACMG Guidelines, 2015. Collection method: clinical testing. Allele origin: de novo. Inheritance: Autosomal dominant inheritance. Affected: yes. Observed: 1 variant allele, 1 heterozygote.
Comment: PVS1, PM6, PM2

NM_177559.3(CSNK2A1):c.546T>G (p.Tyr182Ter)

Gene: CSNK2A1 (casein kinase 2 alpha 1; minus strand). Cytogenetic location: 20p13.
Variant type: single nucleotide variant.
Coding change: c.546T>G on transcript NM_177559.3 (MANE Select); coding-DNA position 546, T replaced by G.
Protein change: p.Tyr182Ter; replaces tyrosine 182 with a stop codon.
Molecular consequence: nonsense.
Genome position (GRCh38, 1-based): chr20:492,329, A>C on the plus strand (T>G on the coding strand, the complement: CSNK2A1 is on the minus strand). VCF-style: chr20-492329-A-C. GRCh37 (hg19) VCF-style: chr20-472973-A-C.
Other names: c.546T>G, p.Tyr182Ter (NM_001362770.2, NM_001362771.2, NM_001895.4); c.138T>G, p.Tyr46Ter (NM_177560.3); short protein forms Y182*, Y46*.
Identifiers: ClinVar variation 4849518 (VCV004849518.1).